The following is an entry in ClinVar:

ClinVar aggregate classification (germline): Pathogenic/Likely pathogenic. Review status: criteria provided, multiple submitters, no conflicts (2 of 4 stars). 2 submissions from 2 submitters: Pathogenic (1); Likely pathogenic (1). Last evaluated 2025-12-15.

Conditions:
Dihydropteridine reductase deficiency (HPABH4C). Also called: BH4-Deficient Hyperphenylalaninemia C; HYPERPHENYLALANINEMIA, TETRAHYDROBIOPTERIN-DEFICIENT, DUE TO DHPR DEFICIENCY; QDPR DEFICIENCY; QUINOID DIHYDROPTERIDINE REDUCTASE DEFICIENCY; Phenylketonuria II; Hyperphenylalaninemia due to dihydropteridine reductase deficiency. Identifiers: Orphanet 226, Orphanet 238583, MedGen C0268465, MONDO:0009862, OMIM 261630.

Allele frequency attached by ClinVar (database versions not stated): gnomAD exomes 0.00001; ExAC 0.00002.
gnomAD v4.1: 6 of 1,607,804 alleles (0.00037%); highest among the groups gnomAD compares: Non-Finnish European, 0.00051%; no homozygotes.

Submissions (2):

Labcorp Genetics (formerly Invitae), Labcorp
Classification: Pathogenic for Dihydropteridine reductase deficiency. Last evaluated: 2025-12-15. Review status: criteria provided, single submitter. Criteria: Invitae Variant Classification Sherloc (09022015). Collection method: clinical testing. Allele origin: germline.
Comment: This sequence change replaces leucine, which is neutral and non-polar, with proline, which is neutral and non-polar, at codon 14 of the QDPR protein (p.Leu14Pro). This variant is present in population databases (rs756639609, gnomAD 0.003%). This missense change has been observed in individual(s) with biopterin-deficient hyperphenylalaninemia (PMID: 10408783, 18425437). ClinVar contains an entry for this variant (Variation ID: 2721958). An algorithm developed to predict the effect of missense changes on protein structure and function (PolyPhen-2) suggests that this variant is likely to be disruptive. For these reasons, this variant has been classified as Pathogenic.

Department of Pathology and Laboratory Medicine, Sinai Health System
Classification: Likely pathogenic for Dihydropteridine reductase deficiency. Last evaluated: 2023-07-26. Review status: criteria provided, single submitter. Criteria: ACMG Guidelines, 2015. Collection method: research. Allele origin: germline.

Literature cited by the submitters: PubMed 10408783 (cited by Labcorp Genetics (formerly Invitae), Labcorp); PubMed 18425437 (cited by Labcorp Genetics (formerly Invitae), Labcorp).

NM_000320.3(QDPR):c.41T>C (p.Leu14Pro)

Genes: QDPR (quinoid dihydropteridine reductase; minus strand), LOC129992304 (ATAC-STARR-seq lymphoblastoid silent region 15310; plus strand). Cytogenetic location: 4p15.32.
Variant type: single nucleotide variant.
Coding change: c.41T>C on transcript NM_000320.3 (MANE Select); coding-DNA position 41, T replaced by C.
Protein change: p.Leu14Pro; replaces leucine 14 with proline.
Molecular consequence: missense variant. On other transcripts: non-coding transcript variant (1).
Genome position (GRCh38, 1-based): chr4:17,512,014, A>G on the plus strand (T>C on the coding strand, the complement: QDPR is on the minus strand). VCF-style: chr4-17512014-A-G. GRCh37 (hg19) VCF-style: chr4-17513637-A-G.
Other names: c.41T>C, p.Leu14Pro (NM_001306140.2); short protein forms L14P.
Identifiers: ClinVar variation 2721958 (VCV002721958.5), dbSNP rs756639609, ClinGen allele CA2868253.